The following is an entry in ClinVar:

ClinVar aggregate classification (germline): Uncertain significance (1 of 4 stars; one submission).

Conditions:
Peroxisome biogenesis disorder. Identifiers: Orphanet 79189, MedGen C1832200, MONDO:0019234. Disease mechanism: loss of function.

Allele frequency attached by ClinVar (database versions not stated): gnomAD exomes below 0.00001; ExAC 0.00001; gnomAD 0.00001 and 0.00002; TOPMed 0.00003.

Submission:

Labcorp Genetics (formerly Invitae), Labcorp
Classification: Uncertain significance for Peroxisome biogenesis disorder. Last evaluated: 2022-01-12. Review status: criteria provided, single submitter. Criteria: Invitae Variant Classification Sherloc (09022015). Collection method: clinical testing. Allele origin: germline.
Comment: This sequence change replaces glutamine, which is neutral and polar, with arginine, which is basic and polar, at codon 454 of the PEX6 protein (p.Gln454Arg). This variant is present in population databases (rs779171611, gnomAD 0.007%). This variant has not been reported in the literature in individuals affected with PEX6-related conditions. ClinVar contains an entry for this variant (Variation ID: 1055069). Algorithms developed to predict the effect of missense changes on protein structure and function output the following: SIFT: "Tolerated"; PolyPhen-2: "Benign"; Align-GVGD: "Class C0". The arginine amino acid residue is found in multiple mammalian species, which suggests that this missense change does not adversely affect protein function. In summary, the available evidence is currently insufficient to determine the role of this variant in disease. Therefore, it has been classified as a Variant of Uncertain Significance.

NM_000287.4(PEX6):c.1361A>G (p.Gln454Arg)

Gene: PEX6 (peroxisomal biogenesis factor 6; minus strand). Cytogenetic location: 6p21.1.
Variant type: single nucleotide variant.
Coding change: c.1361A>G on transcript NM_000287.4 (MANE Select); coding-DNA position 1361, A replaced by G.
Protein change: p.Gln454Arg; replaces glutamine 454 with arginine.
Molecular consequence: missense variant. On other transcripts: non-coding transcript variant (1).
Genome position (GRCh38, 1-based): chr6:42,969,674, T>C on the plus strand (A>G on the coding strand, the complement: PEX6 is on the minus strand). VCF-style: chr6-42969674-T-C. GRCh37 (hg19) VCF-style: chr6-42937412-T-C.
Other names: c.1097A>G, p.Gln366Arg (NM_001316313.2); short protein forms Q366R, Q454R.
Identifiers: ClinVar variation 1055069 (VCV001055069.9), dbSNP rs779171611, ClinGen allele CA3811358.
Genomic context (GRCh38, chr6:42,969,674, plus strand): 5'-CAGGGATGTTCTAAGCAGGCTTTTCTCACACCCTGGGGTGATGACCTCACTCACCCTGGC[T>C]GGAGGCGAGGCTTCAGGACAGCACAGAGTTCAGACACCAAGGCCTCCAGGCCTGGAGGAG-3'
Protein context (NP_000278.3, residues 444-464): ELCAVLKPRL[Gln454Arg]PGGALLTGTS